The following is an entry in ClinVar:

NM_017672.6(TRPM7):c.4874G>C (p.Arg1625Thr)

Gene: TRPM7 (transient receptor potential cation channel subfamily M member 7; minus strand). Cytogenetic location: 15q21.2.
Variant type: single nucleotide variant.
Coding change: c.4874G>C on transcript NM_017672.6 (MANE Select); coding-DNA position 4874, G replaced by C.
Protein change: p.Arg1625Thr; replaces arginine 1625 with threonine.
Molecular consequence: missense variant. On other transcripts: non-coding transcript variant (3).
Genome position (GRCh38, 1-based): chr15:50,574,997, C>G on the plus strand (G>C on the coding strand, the complement: TRPM7 is on the minus strand). VCF-style: chr15-50574997-C-G. GRCh37 (hg19) VCF-style: chr15-50867194-C-G.
Other names: c.4871G>C, p.Arg1624Thr (NM_001301212.2); short protein forms R1624T, R1625T.
Identifiers: ClinVar variation 5017923 (VCV005017923.1).

ClinVar aggregate classification (germline): Uncertain significance (1 of 4 stars; one submission).

Submission:

GeneDx
Classification: Uncertain significance. Last evaluated: 2026-04-01. Review status: criteria provided, single submitter. Criteria: GeneDx Variant Classification Process June 2021. Collection method: clinical testing. Allele origin: germline.
Comment: Not observed at significant frequency in large population cohorts (gnomAD); In silico analysis supports that this missense variant has a deleterious effect on protein structure/function; Has not been previously published as pathogenic or benign to our knowledge